The following is an entry in ClinVar:

ClinVar aggregate classification (germline): Uncertain significance. Review status: criteria provided, multiple submitters, no conflicts (2 of 4 stars). 2 submissions from 2 submitters: Uncertain significance (2). Last evaluated 2020-12-04.

Conditions:
Hereditary cancer-predisposing syndrome. Also called: Neoplastic Syndromes, Hereditary; Tumor predisposition; Hereditary neoplastic syndrome; Hereditary Cancer Syndrome. Identifiers: Orphanet 140162, MedGen C0027672, MeSH D009386, MONDO:0015356.
Familial adenomatous polyposis 1 (FAP1). Also called: POLYPOSIS, ADENOMATOUS INTESTINAL; FAMILIAL ADENOMATOUS POLYPOSIS 1, ATTENUATED. Identifiers: MedGen C2713442, MONDO:0021056, OMIM 175100. Disease mechanism: loss of function.

Allele frequency attached by ClinVar (database versions not stated): gnomAD exomes below 0.00001; TOPMed below 0.00001; ExAC 0.00001.
gnomAD v4.1: 1 of 1,613,204 alleles (0.000062%); highest among the groups gnomAD compares: Non-Finnish European, 0.000085%; no homozygotes.

Submissions (2):

Labcorp Genetics (formerly Invitae), Labcorp
Classification: Uncertain significance for Familial adenomatous polyposis 1. Last evaluated: 2020-12-04. Review status: criteria provided, single submitter. Criteria: Invitae Variant Classification Sherloc (09022015). Collection method: clinical testing. Allele origin: germline.
Comment: In summary, the available evidence is currently insufficient to determine the role of this variant in disease. Therefore, it has been classified as a Variant of Uncertain Significance. Algorithms developed to predict the effect of missense changes on protein structure and function are either unavailable or do not agree on the potential impact of this missense change (SIFT: "Tolerated"; PolyPhen-2: "Possibly Damaging"; Align-GVGD: "Class C0"). This variant has not been reported in the literature in individuals with APC-related conditions. This variant is present in population databases (rs768770215, ExAC 0.002%). This sequence change replaces threonine with alanine at codon 2151 of the APC protein (p.Thr2151Ala). The threonine residue is highly conserved and there is a small physicochemical difference between threonine and alanine.

Ambry Genetics
Classification: Uncertain significance for Hereditary cancer-predisposing syndrome. Last evaluated: 2019-12-10. Review status: criteria provided, single submitter. Criteria: Ambry Variant Classification Scheme 2023. Collection method: clinical testing. Allele origin: germline.
Comment: The p.T2151A variant (also known as c.6451A>G), located in coding exon 15 of the APC gene, results from an A to G substitution at nucleotide position 6451. The threonine at codon 2151 is replaced by alanine, an amino acid with similar properties. This amino acid position is well conserved in available vertebrate species. In addition, in silico predictors for this gene do not accurately predict pathogenicity. Since supporting evidence is limited at this time, the clinical significance of this alteration remains unclear.

NM_000038.6(APC):c.6451A>G (p.Thr2151Ala)

Gene: APC (APC regulator of Wnt signaling pathway; plus strand). Cytogenetic location: 5q22.2.
Variant type: single nucleotide variant.
Coding change: c.6451A>G on transcript NM_000038.6 (MANE Select); coding-DNA position 6451, A replaced by G.
Protein change: p.Thr2151Ala; replaces threonine 2151 with alanine.
Molecular consequence: missense variant.
Genome position (GRCh38, 1-based): chr5:112,842,045, A>G. VCF-style: chr5-112842045-A-G. GRCh37 (hg19) VCF-style: chr5-112177742-A-G.
Other names: c.6451A>G, p.Thr2151Ala (NM_001127510.3, NM_001354895.2); c.6397A>G, p.Thr2133Ala (NM_001127511.3); c.6505A>G, p.Thr2169Ala (NM_001354896.2); c.6481A>G, p.Thr2161Ala (NM_001354897.2); c.6376A>G, p.Thr2126Ala (NM_001354898.2); c.6367A>G, p.Thr2123Ala (NM_001354899.2); c.6328A>G, p.Thr2110Ala (NM_001354900.2); c.6274A>G, p.Thr2092Ala (NM_001354901.2); and 5 more; short protein forms T2025A, T2060A, T2110A, T2151A, T1991A, T2050A, T2092A, T2123A.
Identifiers: ClinVar variation 826415 (VCV000826415.53), dbSNP rs768770215, ClinGen allele CA044633.